The following is an entry in ClinVar:

ClinVar aggregate classification (germline): Uncertain significance (1 of 4 stars; one submission).

Conditions:
Hereditary breast ovarian cancer syndrome. Also called: Hereditary breast and ovarian cancer syndrome (HBOC); Hereditary breast and ovarian cancer; BRCA1- and BRCA2-Associated Hereditary Breast and Ovarian Cancer; Hereditary breast and ovarian cancer syndrome; Hereditary breast and/or ovarian cancer syndrome; Breast and ovarian cancer. Identifiers: Orphanet 145, MedGen C0677776, MeSH D061325, MONDO:0003582. Disease mechanism: loss of function.

Submission:

Labcorp Genetics (formerly Invitae), Labcorp
Classification: Uncertain significance for Hereditary breast ovarian cancer syndrome. Last evaluated: 2024-03-26. Review status: criteria provided, single submitter. Criteria: Invitae Variant Classification Sherloc (09022015). Collection method: clinical testing. Allele origin: germline.
Comment: This sequence change replaces asparagine, which is neutral and polar, with threonine, which is neutral and polar, at codon 3168 of the BRCA2 protein (p.Asn3168Thr). This variant is not present in population databases (gnomAD no frequency). This variant has not been reported in the literature in individuals affected with BRCA2-related conditions. An algorithm developed to predict the effect of missense changes on protein structure and function (PolyPhen-2) suggests that this variant is likely to be disruptive. In summary, the available evidence is currently insufficient to determine the role of this variant in disease. Therefore, it has been classified as a Variant of Uncertain Significance.

NM_000059.4(BRCA2):c.9503A>C (p.Asn3168Thr)

Gene: BRCA2 (BRCA2 DNA repair associated; plus strand). Cytogenetic location: 13q13.1.
Variant type: single nucleotide variant.
Coding change: c.9503A>C on transcript NM_000059.4 (MANE Select); coding-DNA position 9503, A replaced by C.
Protein change: p.Asn3168Thr; replaces asparagine 3168 with threonine.
Molecular consequence: missense variant. On other transcripts: non-coding transcript variant (1).
Genome position (GRCh38, 1-based): chr13:32,396,899, A>C. VCF-style: chr13-32396899-A-C. GRCh37 (hg19) VCF-style: chr13-32971036-A-C.
Other names: c.9407A>C, p.Asn3136Thr (NM_001406719.1); c.9452A>C, p.Asn3151Thr (NM_001406720.1); c.4571A>C, p.Asn1524Thr (NM_001406721.1); c.3086A>C, p.Asn1029Thr (NM_001406722.1); c.9503A>C, p.Asn3168Thr (NM_001432077.1); short protein forms N3136T, N3151T, N1029T, N3168T, N1524T.
Identifiers: ClinVar variation 3647639 (VCV003647639.2).